The following is an entry in ClinVar:

NM_003919.3(SGCE):c.110-6T>C

Genes: CASD1 (CAS1 domain sialic acid O acetyltransferase 1; plus strand), SGCE (sarcoglycan epsilon; minus strand). Cytogenetic location: 7q21.3.
Variant type: single nucleotide variant.
Coding change: c.110-6T>C on transcript NM_003919.3 (MANE Select); 6 bases into the intron before coding-DNA position 110, T replaced by C.
Molecular consequence: intron variant.
Genome position (GRCh38, 1-based): chr7:94,629,847, A>G on the plus strand (T>C on the coding strand, the complement: SGCE is on the minus strand). VCF-style: chr7-94629847-A-G. GRCh37 (hg19) VCF-style: chr7-94259159-A-G.
Other names: c.110-1488T>C (NM_001362809.2, NM_001301139.2); c.110-6T>C (NM_001346717.2, NM_001099400.2, NM_001099401.2); c.218-6T>C (NM_001346715.2, NM_001346713.2); c.23-6T>C (NM_001362807.2, NM_001346719.2); c.-164-6T>C (NM_001362808.2, NM_001346720.2).
Identifiers: ClinVar variation 3626413 (VCV003626413.2).
Genomic context (GRCh38, chr7:94,629,847, plus strand): 5'-CCTGCTGATGGGTATACATTCCGATCGGAGTGTACCTTGGAGAAAATACTGTACACTGAA[A>G]ACAAAGAGGAAAGATAAGTGACAGAAAGACAAATAATGAGATACGCCCTTGATAATTCAG-3'

ClinVar aggregate classification (germline): Uncertain significance (1 of 4 stars; one submission).

Conditions:
Myoclonic dystonia 11 (DYT11). Also called: Myoclonic dystonia; Dystonia 11; Dystonia, alcohol responsive; Hereditary essential myoclonus; SGCE Myoclonus-Dystonia; Myoclonus-Dystonia. Identifiers: Orphanet 36899, MedGen C1834570, MONDO:0008044, OMIM 159900.

gnomAD v4.1: 4 of 1,610,364 alleles (0.00025%); highest among the groups gnomAD compares: South Asian, 0.0044%; no homozygotes.

Submission:

Labcorp Genetics (formerly Invitae), Labcorp
Classification: Uncertain significance for Myoclonic dystonia 11. Last evaluated: 2025-02-02. Review status: criteria provided, single submitter. Criteria: Invitae Variant Classification Sherloc (09022015). Collection method: clinical testing. Allele origin: germline.
Comment: This sequence change falls in intron 1 of the SGCE gene. It does not directly change the encoded amino acid sequence of the SGCE protein. This variant is not present in population databases (gnomAD no frequency). This variant has not been reported in the literature in individuals affected with SGCE-related conditions. Algorithms developed to predict the effect of sequence changes on RNA splicing suggest that this variant may disrupt the consensus splice site. In summary, the available evidence is currently insufficient to determine the role of this variant in disease. Therefore, it has been classified as a Variant of Uncertain Significance.